The following is an entry in ClinVar:

ClinVar aggregate classification (germline): Uncertain significance (1 of 4 stars; one submission).

Conditions:
Hypertrophic cardiomyopathy. Also called: HYPERTROPHIC MYOCARDIOPATHY. Identifiers: Orphanet 217569, MedGen C0007194, MeSH D002312, MONDO:0005045, HP:0001639.

Submission:

Labcorp Genetics (formerly Invitae), Labcorp
Classification: Uncertain significance for Hypertrophic cardiomyopathy. Last evaluated: 2025-02-16. Review status: criteria provided, single submitter. Criteria: Invitae Variant Classification Sherloc (09022015). Collection method: clinical testing. Allele origin: germline.
Comment: This sequence change replaces aspartic acid, which is acidic and polar, with glutamic acid, which is acidic and polar, at codon 1009 of the MYH7 protein (p.Asp1009Glu). This variant is not present in population databases (gnomAD no frequency). This variant has not been reported in the literature in individuals affected with MYH7-related conditions. Invitae Evidence Modeling of protein sequence and biophysical properties (such as structural, functional, and spatial information, amino acid conservation, physicochemical variation, residue mobility, and thermodynamic stability) indicates that this missense variant is expected to disrupt MYH7 protein function with a positive predictive value of 95%. In summary, the available evidence is currently insufficient to determine the role of this variant in disease. Therefore, it has been classified as a Variant of Uncertain Significance.

NM_000257.4(MYH7):c.3027C>A (p.Asp1009Glu)

Gene: MYH7 (myosin heavy chain 7; minus strand). Cytogenetic location: 14q11.2.
Variant type: single nucleotide variant.
Coding change: c.3027C>A on transcript NM_000257.4 (MANE Select); coding-DNA position 3027, C replaced by A.
Protein change: p.Asp1009Glu; replaces aspartic acid 1009 with glutamic acid.
Molecular consequence: missense variant.
Genome position (GRCh38, 1-based): chr14:23,423,619, G>T on the plus strand (C>A on the coding strand, the complement: MYH7 is on the minus strand). VCF-style: chr14-23423619-G-T. GRCh37 (hg19) VCF-style: chr14-23892828-G-T.
Other names: c.3027C>A, p.Asp1009Glu (NM_001407004.1); short protein forms D1009E.
Identifiers: ClinVar variation 4694000 (VCV004694000.1).
Genomic context (GRCh38, chr14:23,423,619, plus strand): 5'-CTGCTCCAGCTTGACTTTGGCCTTAGTCAGGGTGTTGACCTTGTCCTCCTCGGCCTGAAG[G>T]TCATCCAGAGCCTGTTGGTGGGCCTCTTGCAGAGCTTTCTTCTCCTTGGTCAGCTTGGCA-3'
Protein context (NP_000248.2, residues 999-1019): LQEAHQQALD[Asp1009Glu]LQAEEDKVNT